The following is an entry in ClinVar:

NM_007186.6(CEP250):c.5156C>A (p.Ala1719Glu)

Gene: CEP250 (centrosomal protein 250; plus strand). Cytogenetic location: 20q11.22.
Variant type: single nucleotide variant.
Coding change: c.5156C>A on transcript NM_007186.6 (MANE Select); coding-DNA position 5156, C replaced by A.
Protein change: p.Ala1719Glu; replaces alanine 1719 with glutamic acid.
Molecular consequence: missense variant.
Genome position (GRCh38, 1-based): chr20:35,503,525, C>A. VCF-style: chr20-35503525-C-A. GRCh37 (hg19) VCF-style: chr20-34091353-C-A.
Other names: c.3260C>A, p.Ala1087Glu (NM_001318219.1); short protein forms A1719E, A1087E.
Identifiers: ClinVar variation 1487335 (VCV001487335.8), dbSNP rs2147160852, ClinGen allele CA408750505.

ClinVar aggregate classification (germline): Uncertain significance (1 of 4 stars; one submission).

Submission:

Labcorp Genetics (formerly Invitae), Labcorp
Classification: Uncertain significance. Last evaluated: 2022-07-26. Review status: criteria provided, single submitter. Criteria: Invitae Variant Classification Sherloc (09022015). Collection method: clinical testing. Allele origin: germline.
Comment: Algorithms developed to predict the effect of missense changes on protein structure and function are either unavailable or do not agree on the potential impact of this missense change (SIFT: "Not Available"; PolyPhen-2: "Possibly Damaging"; Align-GVGD: "Not Available"). This sequence change replaces alanine, which is neutral and non-polar, with glutamic acid, which is acidic and polar, at codon 1719 of the CEP250 protein (p.Ala1719Glu). This variant is not present in population databases (gnomAD no frequency). This variant has not been reported in the literature in individuals affected with CEP250-related conditions. ClinVar contains an entry for this variant (Variation ID: 1487335). In summary, the available evidence is currently insufficient to determine the role of this variant in disease. Therefore, it has been classified as a Variant of Uncertain Significance.